The following is an entry in ClinVar:

ClinVar aggregate classification (germline): Uncertain significance. Review status: criteria provided, multiple submitters, no conflicts (2 of 4 stars). 2 submissions from 2 submitters: Uncertain significance (2). Last evaluated 2025-01-06.

Conditions:
P3H2-related disorder. Also called: P3H2-related condition.

Submissions (2):

PreventionGenetics, part of Exact Sciences
Classification: Uncertain significance for P3H2-related condition. Last evaluated: 2025-01-06. Review status: criteria provided, single submitter. Criteria: ACMG Guidelines, 2015. Collection method: clinical testing. Allele origin: germline.
Comment: The P3H2 c.2053_2054delinsTT variant is predicted to result in an in-frame deletion and insertion. To our knowledge, this variant has not been reported in the literature or in a large population database (gnomAD), indicating this variant is rare. At this time, the clinical significance of this variant is uncertain due to the absence of conclusive functional and genetic evidence.

Labcorp Genetics (formerly Invitae), Labcorp
Classification: Uncertain significance. Last evaluated: 2022-01-14. Review status: criteria provided, single submitter. Criteria: Invitae Variant Classification Sherloc (09022015). Collection method: clinical testing. Allele origin: germline.
Comment: Information on the frequency of this variant in the gnomAD database is not available, as this variant may be reported differently in the database. This variant has not been reported in the literature in individuals affected with P3H2-related conditions. Algorithms developed to predict the effect of missense changes on protein structure and function are either unavailable or do not agree on the potential impact of this missense change (SIFT: "Not Available"; PolyPhen-2: "Benign"; Align-GVGD: "Not Available"). In summary, the available evidence is currently insufficient to determine the role of this variant in disease. Therefore, it has been classified as a Variant of Uncertain Significance. This sequence change replaces glutamic acid, which is acidic and polar, with leucine, which is neutral and non-polar, at codon 685 of the P3H2 protein (p.Glu685Leu).

NM_018192.4(P3H2):c.2053_2054delinsTT (p.Glu685Leu)

Gene: P3H2 (prolyl 3-hydroxylase 2; minus strand). Cytogenetic location: 3q28.
Variant type: Indel.
Coding change: c.2053_2054delinsTT on transcript NM_018192.4 (MANE Select); coding-DNA positions 2053 to 2054, GA replaced by TT.
Protein change: p.Glu685Leu; replaces glutamic acid 685 with leucine.
Molecular consequence: missense variant.
Genome position (GRCh38, 1-based): chr3:189,957,985-189,957,986, TC replaced by AA on the plus strand (GA replaced by TT on the coding strand, the reverse complement: P3H2 is on the minus strand). VCF-style: chr3-189957985-TC-AA. GRCh37 (hg19) VCF-style: chr3-189675774-TC-AA.
Other names: c.2053_2054delinsTT (NM_018192.3); c.1510_1511delinsTT, p.Glu504Leu (NM_001134418.2); short protein forms E685L, E504L.
Identifiers: ClinVar variation 2082316 (VCV002082316.5), dbSNP rs2473781366, ClinGen allele CA2580070508.